The following is an entry in ClinVar:

NM_001101426.4(CRPPA):c.874_875delinsAG (p.Glu292Arg)

Gene: CRPPA (CDP-L-ribitol pyrophosphorylase A; minus strand). Cytogenetic location: 7p21.2.
Variant type: Indel.
Coding change: c.874_875delinsAG on transcript NM_001101426.4 (MANE Select); coding-DNA positions 874 to 875, GA replaced by AG.
Protein change: p.Glu292Arg; replaces glutamic acid 292 with arginine.
Molecular consequence: missense variant. On other transcripts: non-coding transcript variant (1).
Genome position (GRCh38, 1-based): chr7:16,278,187-16,278,188, TC replaced by CT on the plus strand (GA replaced by AG on the coding strand, the reverse complement: CRPPA is on the minus strand). VCF-style: chr7-16278187-TC-CT. GRCh37 (hg19) VCF-style: chr7-16317812-TC-CT.
Other names: c.724_725delinsAG, p.Glu242Arg (NM_001101417.4); c.769_770delinsAG, p.Glu257Arg (NM_001368197.1); short protein forms E257R, E292R, E242R.
Identifiers: ClinVar variation 664701 (VCV000664701.1), dbSNP rs1583487638, ClinGen allele CA915944879.

ClinVar aggregate classification (germline): Uncertain significance (1 of 4 stars; one submission).

Conditions:
Autosomal recessive limb-girdle muscular dystrophy type 2U. Also called: MUSCULAR DYSTROPHY, LIMB-GIRDLE, TYPE 2U; Muscular dystrophy-dystroglycanopathy (limb-girdle), type c, 7. Identifiers: Orphanet 352479, MedGen C5190987, MONDO:0014474, OMIM 616052.
Muscular dystrophy-dystroglycanopathy (congenital with brain and eye anomalies), type A, 7. Also called: WALKER-WARBURG SYNDROME OR MUSCLE-EYE-BRAIN DISEASE, ISPD-RELATED; Congenital muscular dystrophy-dystroglycanopathy with brain and eye anomalies, type A7. Identifiers: Orphanet 899, MedGen C3553330, MONDO:0013835, OMIM 614643.

Submission:

Labcorp Genetics (formerly Invitae), Labcorp
Classification: Uncertain significance for Congenital muscular dystrophy-dystroglycanopathy with brain and eye anomalies, type A7; Muscular dystrophy-dystroglycanopathy (limb-girdle), type c, 7. Last evaluated: 2018-08-20. Review status: criteria provided, single submitter. Criteria: Invitae Variant Classification Sherloc (09022015). Collection method: clinical testing. Allele origin: germline.
Comment: This sequence change replacesÂ¬â€ glutamic acidÂ¬â€ withÂ¬â€ arginineÂ¬â€ at codon 292 of the ISPD protein (p.Glu292Arg). TheÂ¬â€ glutamic acidÂ¬â€ residue is weakly conserved and there is a small physicochemical difference betweenÂ¬â€ glutamic acidÂ¬â€ andÂ¬â€ arginine. This variant is not present in population databases (ExAC no frequency). This variant has not been reported in the literature in individuals with ISPD-related disease. Algorithms developed to predict the effect of missense changes on protein structure and function (SIFT, PolyPhen-2, Align-GVGD) all suggest that this variant is likely to be tolerated, but these predictions have not been confirmed by published functional studies and their clinical significance is uncertain. In summary, the available evidence is currently insufficient to determine the role of this variant in disease. Therefore, it has been classified as a Variant of Uncertain Significance.